The following is an entry in ClinVar:

ClinVar aggregate classification (germline): Conflicting classifications of pathogenicity. Review status: criteria provided, conflicting classifications (1 of 4 stars). 2 submissions from 2 submitters: Likely pathogenic (1); Uncertain significance (1). Last evaluated 2024-01-25.

Conditions:
Polycystic kidney disease, adult type (PKD1). Also called: POLYCYSTIC KIDNEY DISEASE 1 WITH OR WITHOUT POLYCYSTIC LIVER DISEASE; Polycystic Kidney Disease 1, Autosomal Dominant; Polycystic kidney disease 1; Polycystic kidney disease 1, severe; Polycystic Kidney, Autosomal Dominant; POLYCYSTIC KIDNEY DISEASE, ADULT, TYPE I. Identifiers: MedGen C3149841, MONDO:0008263, OMIM 173900.

Submissions (2):

Fulgent Genetics
Classification: Likely pathogenic for Polycystic kidney disease, adult type. Last evaluated: 2024-01-25. Review status: criteria provided, single submitter. Criteria: ACMG Guidelines, 2015. Collection method: clinical testing. Allele origin: germline.

Cavalleri Lab, Royal College of Surgeons in Ireland
Classification: Uncertain significance for Polycystic kidney disease, adult type. Last evaluated: 2020-02-05. Review status: criteria provided, single submitter. Criteria: ACMG Guidelines, 2015. Collection method: research. Allele origin: unknown. Inheritance: Autosomal dominant inheritance. Affected: yes.
Comment: PM2, PP3, PP4, PP5

NM_001009944.3(PKD1):c.11614G>C (p.Glu3872Gln)

Genes: PKD1 (polycystin 1, transient receptor potential channel interacting; minus strand), PKD1-AS1 (PKD1 antisense RNA 1; plus strand). Cytogenetic location: 16p13.3.
Variant type: single nucleotide variant.
Coding change: c.11614G>C on transcript NM_001009944.3 (MANE Select); coding-DNA position 11614, G replaced by C.
Protein change: p.Glu3872Gln; replaces glutamic acid 3872 with glutamine.
Molecular consequence: missense variant. On other transcripts: non-coding transcript variant (1).
Genome position (GRCh38, 1-based): chr16:2,091,521, C>G on the plus strand (G>C on the coding strand, the complement: PKD1 is on the minus strand). VCF-style: chr16-2091521-C-G. GRCh37 (hg19) VCF-style: chr16-2141522-C-G.
Other names: c.11611G>C, p.Glu3871Gln (NM_000296.4); short protein forms E3871Q, E3872Q.
Identifiers: ClinVar variation 873336 (VCV000873336.2), dbSNP rs2091577195, ClinGen allele CA394331819.